The following is an entry in ClinVar:

NM_004995.4(MMP14):c.547G>A (p.Glu183Lys)

Gene: MMP14 (matrix metallopeptidase 14; plus strand). Cytogenetic location: 14q11.2.
Variant type: single nucleotide variant.
Coding change: c.547G>A on transcript NM_004995.4 (MANE Select); coding-DNA position 547, G replaced by A.
Protein change: p.Glu183Lys; replaces glutamic acid 183 with lysine.
Molecular consequence: missense variant.
Genome position (GRCh38, 1-based): chr14:22,842,576, G>A. VCF-style: chr14-22842576-G-A. GRCh37 (hg19) VCF-style: chr14-23311785-G-A.
Other names: short protein forms E183K.
Identifiers: ClinVar variation 1408779 (VCV001408779.6), dbSNP rs757252435, ClinGen allele CA7105198.

ClinVar aggregate classification (germline): Uncertain significance (1 of 4 stars; one submission).

Allele frequency attached by ClinVar (database versions not stated): TOPMed 0.00001; ExAC 0.00002; gnomAD 0.00002; gnomAD exomes 0.00003.
gnomAD v4.1: 45 of 1,614,072 alleles (0.0028%); highest among the groups gnomAD compares: East Asian, 0.013%; no homozygotes.

Submission:

Labcorp Genetics (formerly Invitae), Labcorp
Classification: Uncertain significance. Last evaluated: 2025-07-09. Review status: criteria provided, single submitter. Criteria: Invitae Variant Classification Sherloc (09022015). Collection method: clinical testing. Allele origin: germline.
Comment: This sequence change replaces glutamic acid, which is acidic and polar, with lysine, which is basic and polar, at codon 183 of the MMP14 protein (p.Glu183Lys). This variant is present in population databases (rs757252435, gnomAD 0.02%). This variant has not been reported in the literature in individuals affected with MMP14-related conditions. ClinVar contains an entry for this variant (Variation ID: 1408779). Invitae Evidence Modeling of protein sequence and biophysical properties (such as structural, functional, and spatial information, amino acid conservation, physicochemical variation, residue mobility, and thermodynamic stability) indicates that this missense variant is not expected to disrupt MMP14 protein function with a negative predictive value of 80%. In summary, the available evidence is currently insufficient to determine the role of this variant in disease. Therefore, it has been classified as a Variant of Uncertain Significance.